The following is an entry in ClinVar:

NM_080473.5(GATA5):c.700-3_700-2del

Gene: GATA5 (GATA binding protein 5; minus strand). Cytogenetic location: 20q13.33.
Variant type: Microsatellite.
Coding change: c.700-3_700-2del on transcript NM_080473.5 (MANE Select); 3 bases into the intron before coding-DNA position 700 through the canonical splice acceptor site of the intron before coding-DNA position 700, 2 bases deleted (CA; older notation c.700-3_700-2delCA).
Molecular consequence: splice acceptor variant.
Genome position (GRCh38, 1-based): chr20:62,466,553-62,466,554, TG deleted on the plus strand (CA on the coding strand, the reverse complement: GATA5 is on the minus strand); deleting any 2 consecutive bases within chr20:62,466,553-62,466,556 gives the same sequence; the c. name uses the placement nearest the transcript's 3' end. VCF-style (leftmost placement, unchanged base first): chr20-62466552-CTG-C. GRCh37 (hg19) VCF-style: chr20-61041608-CTG-C.
Identifiers: ClinVar variation 3669664 (VCV003669664.2).
Genomic context (GRCh38, chr20:62,466,552, plus strand): 5'-CAGCGTGGTGTTGGTCGTGTGGCAGTTGGTGCAGCAGAGGCCGGCGCGGCGGGACGAGGA[CTG>C]TGGGGGCGAGGGAGACTGGAGTGAGCCCCGGGCCGGGTGCGCGGCTGGAGCAGGGGGACG-3'

ClinVar aggregate classification (germline): Uncertain significance (1 of 4 stars; one submission).

Submission:

Labcorp Genetics (formerly Invitae), Labcorp
Classification: Uncertain significance. Last evaluated: 2024-10-17. Review status: criteria provided, single submitter. Criteria: Invitae Variant Classification Sherloc (09022015). Collection method: clinical testing. Allele origin: germline.
Comment: This sequence change falls in intron 3 of the GATA5 gene. It does not directly change the encoded amino acid sequence of the GATA5 protein. This variant is not present in population databases (gnomAD no frequency). This variant has not been reported in the literature in individuals affected with GATA5-related conditions. Experimental studies and prediction algorithms are not available or were not evaluated, and the effect of this variant on mRNA splicing is currently unknown. In summary, the available evidence is currently insufficient to determine the role of this variant in disease. Therefore, it has been classified as a Variant of Uncertain Significance.